The following is an entry in ClinVar:

NM_000271.5(NPC1):c.782C>T (p.Thr261Met)

Gene: NPC1 (NPC intracellular cholesterol transporter 1; minus strand). Cytogenetic location: 18q11.2.
Variant type: single nucleotide variant.
Coding change: c.782C>T on transcript NM_000271.5 (MANE Select); coding-DNA position 782, C replaced by T.
Protein change: p.Thr261Met; replaces threonine 261 with methionine.
Molecular consequence: missense variant.
Genome position (GRCh38, 1-based): chr18:23,560,330, G>A on the plus strand (C>T on the coding strand, the complement: NPC1 is on the minus strand). VCF-style: chr18-23560330-G-A. GRCh37 (hg19) VCF-style: chr18-21140294-G-A.
Other names: short protein forms T261M.
Identifiers: ClinVar variation 2183950 (VCV002183950.1), dbSNP rs374169117, ClinGen allele CA297074637.

ClinVar aggregate classification (germline): Uncertain significance (1 of 4 stars; one submission).

Conditions:
Niemann-Pick disease, type C1. Also called: NEUROVISCERAL STORAGE DISEASE WITH VERTICAL SUPRANUCLEAR OPHTHALMOPLEGIA; NIEMANN-PICK DISEASE WITH CHOLESTEROL ESTERIFICATION BLOCK; NIEMANN-PICK DISEASE WITHOUT SPHINGOMYELINASE DEFICIENCY; NIEMANN-PICK DISEASE, CHRONIC NEURONOPATHIC FORM; NIEMANN-PICK DISEASE, VARIANT TYPE C1. Identifiers: Orphanet 646, MedGen C3179455, MONDO:0009757, OMIM 257220.

Allele frequency attached by ClinVar (database versions not stated): TOPMed below 0.00001; gnomAD 0.00001; gnomAD exomes 0.00001; ESP Exome Variant Server 0.00008.
gnomAD v4.1: 11 of 1,614,082 alleles (0.00068%); highest among the groups gnomAD compares: South Asian, 0.0044%; no homozygotes.

Submission:

Labcorp Genetics (formerly Invitae), Labcorp
Classification: Uncertain significance for Niemann-Pick disease, type C1. Last evaluated: 2021-09-01. Review status: criteria provided, single submitter. Criteria: Invitae Variant Classification Sherloc (09022015). Collection method: clinical testing. Allele origin: germline.
Comment: This sequence change replaces threonine with methionine at codon 261 of the NPC1 protein (p.Thr261Met). The threonine residue is weakly conserved and there is a moderate physicochemical difference between threonine and methionine. This variant is not present in population databases (ExAC no frequency). This variant has not been reported in the literature in individuals affected with NPC1-related conditions. Algorithms developed to predict the effect of missense changes on protein structure and function output the following: SIFT: "Deleterious"; PolyPhen-2: "Benign"; Align-GVGD: "Class C0". The methionine amino acid residue is found in multiple mammalian species, which suggests that this missense change does not adversely affect protein function. In summary, the available evidence is currently insufficient to determine the role of this variant in disease. Therefore, it has been classified as a Variant of Uncertain Significance.